The following is an entry in ClinVar:

NM_001134363.3(RBM20):c.20T>C (p.Met7Thr)

Gene: RBM20 (RNA binding motif protein 20; plus strand). Cytogenetic location: 10q25.2.
Variant type: single nucleotide variant.
Coding change: c.20T>C on transcript NM_001134363.3 (MANE Select); coding-DNA position 20, T replaced by C.
Protein change: p.Met7Thr; replaces methionine 7 with threonine.
Molecular consequence: missense variant.
Genome position (GRCh38, 1-based): chr10:110,644,474, T>C. VCF-style: chr10-110644474-T-C. GRCh37 (hg19) VCF-style: chr10-112404232-T-C.
Other names: short protein forms M7T.
Identifiers: ClinVar variation 1785893 (VCV001785893.2), dbSNP rs1027203249, ClinGen allele CA378527287.

ClinVar aggregate classification (germline): Uncertain significance (1 of 4 stars; one submission).

Conditions:
Cardiovascular phenotype. Identifiers: MedGen CN230736.

Submission:

Ambry Genetics
Classification: Uncertain significance for Cardiovascular phenotype. Last evaluated: 2019-12-05. Review status: criteria provided, single submitter. Criteria: Ambry Variant Classification Scheme 2023. Collection method: clinical testing. Allele origin: germline.
Comment: The p.M7T variant (also known as c.20T>C), located in coding exon 1 of the RBM20 gene, results from a T to C substitution at nucleotide position 20. The methionine at codon 7 is replaced by threonine, an amino acid with similar properties. This amino acid position is highly conserved in available vertebrate species. In addition, the in silico prediction for this alteration is inconclusive. Since supporting evidence is limited at this time, the clinical significance of this alteration remains unclear.